The following is an entry in ClinVar:

ClinVar aggregate classification (germline): Uncertain significance. Review status: criteria provided, multiple submitters, no conflicts (2 of 4 stars). 2 submissions from 2 submitters: Uncertain significance (2). Last evaluated 2025-09-22.

Conditions:
Hereditary cancer-predisposing syndrome. Also called: Hereditary neoplastic syndrome; Neoplastic Syndromes, Hereditary; Tumor predisposition; Hereditary Cancer Syndrome. Identifiers: Orphanet 140162, MedGen C0027672, MeSH D009386, MONDO:0015356.
Microcephaly, normal intelligence and immunodeficiency (NBS). Also called: IMMUNODEFICIENCY, MICROCEPHALY, AND CHROMOSOMAL INSTABILITY; SEEMANOVA SYNDROME II; Nijmegen breakage syndrome; Microcephaly with normal intelligence immunodeficiency and lymphoreticular malignancies; Nonsyndromal microcephaly autosomal recessive with normal intelligence; Seemanova syndrome 2. Identifiers: Orphanet 647, MedGen C0398791, MONDO:0009623, OMIM 251260.

Submissions (2):

Labcorp Genetics (formerly Invitae), Labcorp
Classification: Uncertain significance for Microcephaly, normal intelligence and immunodeficiency. Last evaluated: 2025-09-22. Review status: criteria provided, single submitter. Criteria: Invitae Variant Classification Sherloc (09022015). Collection method: clinical testing. Allele origin: germline.
Comment: This sequence change replaces valine, which is neutral and non-polar, with leucine, which is neutral and non-polar, at codon 65 of the NBN protein (p.Val65Leu). This variant is not present in population databases (gnomAD no frequency). This variant has not been reported in the literature in individuals affected with NBN-related conditions. ClinVar contains an entry for this variant (Variation ID: 480035). An algorithm developed to predict the effect of missense changes on protein structure and function (PolyPhen-2) suggests that this variant is likely to be tolerated. In summary, the available evidence is currently insufficient to determine the role of this variant in disease. Therefore, it has been classified as a Variant of Uncertain Significance.

Ambry Genetics
Classification: Uncertain significance for Hereditary cancer-predisposing syndrome. Last evaluated: 2023-01-31. Review status: criteria provided, single submitter. Criteria: Ambry Variant Classification Scheme 2023. Collection method: clinical testing. Allele origin: germline.
Comment: The p.V65L variant (also known as c.193G>C), located in coding exon 3 of the NBN gene, results from a G to C substitution at nucleotide position 193. The valine at codon 65 is replaced by leucine, an amino acid with highly similar properties. This variant was not reported in population based cohorts in the following databases: Database of Single Nucleotide Polymorphisms (dbSNP), NHLBI Exome Sequencing Project (ESP), and 1000 Genomes Project. In the ESP, this variant was not observed in 6502 samples (13004 alleles) with coverage at this position. To date, this alteration has been detected with an allele frequency of approximately 0.001% (greater than 175000 alleles tested) in our clinical cohort. This amino acid position is poorly conserved in available vertebrate species. In addition, this alteration is predicted to be tolerated by in silico analysis. Since supporting evidence is limited at this time, the clinical significance of this alteration remains unclear.

NM_002485.5(NBN):c.193G>C (p.Val65Leu)

Gene: NBN (nibrin; minus strand). Cytogenetic location: 8q21.3.
Variant type: single nucleotide variant.
Coding change: c.193G>C on transcript NM_002485.5 (MANE Select); coding-DNA position 193, G replaced by C.
Protein change: p.Val65Leu; replaces valine 65 with leucine.
Molecular consequence: missense variant. On other transcripts: 5 prime UTR variant (1).
Genome position (GRCh38, 1-based): chr8:89,981,502, C>G on the plus strand (G>C on the coding strand, the complement: NBN is on the minus strand). VCF-style: chr8-89981502-C-G. GRCh37 (hg19) VCF-style: chr8-90993730-C-G.
Other names: c.-54G>C (NM_001024688.3); short protein forms V65L.
Identifiers: ClinVar variation 480035 (VCV000480035.7), dbSNP rs778998026, ClinGen allele CA371662599.